The following is an entry in ClinVar:

ClinVar aggregate classification (germline): Benign (0 of 4 stars; one submission).

Conditions:
NTRK3-related disorder. Also called: NTRK3-related condition.

Allele frequency attached by ClinVar (database versions not stated): 1000 Genomes Project 0.02855; 1000 Genomes Project 30x 0.02858; TOPMed 0.03304; ESP Exome Variant Server 0.03531.
gnomAD v4.1: 8,860 of 1,609,798 alleles (0.55%); highest among the groups gnomAD compares: African/African-American, 10%; 455 homozygotes.

Submission:

PreventionGenetics, part of Exact Sciences
Classification: Benign for NTRK3-related condition. Last evaluated: 2019-12-23. Review status: no assertion criteria provided. Collection method: clinical testing. Allele origin: germline.
Comment: This variant is classified as benign based on ACMG/AMP sequence variant interpretation guidelines (Richards et al. 2015 PMID: 25741868, with internal and published modifications).

NM_001012338.3(NTRK3):c.1458C>T (p.His486=)

Gene: NTRK3 (neurotrophic receptor tyrosine kinase 3; minus strand). Cytogenetic location: 15q25.3.
Variant type: single nucleotide variant.
Coding change: c.1458C>T on transcript NM_001012338.3 (MANE Select); coding-DNA position 1458, C replaced by T.
Protein change: p.His486=; no amino-acid change (histidine 486 retained).
Molecular consequence: synonymous variant.
Genome position (GRCh38, 1-based): chr15:88,032,984, G>A on the plus strand (C>T on the coding strand, the complement: NTRK3 is on the minus strand). VCF-style: chr15-88032984-G-A. GRCh37 (hg19) VCF-style: chr15-88576215-G-A.
Other names: c.1458C>T, p.His486= (NM_001007155.1, NM_001007156.3, NM_001320134.1 and 4 more transcripts); c.1434C>T, p.His478= (NM_001243101.2, NM_001375812.1, NM_001375814.1); c.1164C>T, p.His388= (NM_001320135.2).
Identifiers: ClinVar variation 3055801 (VCV003055801.2), dbSNP rs2229909, ClinGen allele CA7716877.
Genomic context (GRCh38, chr15:88,032,984, plus strand): 5'-AGTCATGCCAATGACCACAGTGTCGGGCCCGGCATCCAGTGACGAGGGCGTGGTGATGCC[G>A]TGGTTGATGTGGTGCAGTGGGCTGGCTGAGTCCTCCTCACCACTGATGACAGCCACGGGA-3'
Protein context (NP_001012338.1, residues 476-496): DSASPLHHIN[His486=]GITTPSSLDA